The following is an entry in ClinVar:

NM_015512.5(DNAH1):c.6158G>A (p.Arg2053Gln)

Gene: DNAH1 (dynein axonemal heavy chain 1; plus strand). Cytogenetic location: 3p21.1.
Variant type: single nucleotide variant.
Coding change: c.6158G>A on transcript NM_015512.5 (MANE Select); coding-DNA position 6158, G replaced by A.
Protein change: p.Arg2053Gln; replaces arginine 2053 with glutamine.
Molecular consequence: missense variant.
Genome position (GRCh38, 1-based): chr3:52,370,129, G>A. VCF-style: chr3-52370129-G-A. GRCh37 (hg19) VCF-style: chr3-52404145-G-A.
Other names: short protein forms R2053Q.
Identifiers: ClinVar variation 4791227 (VCV004791227.1).

ClinVar aggregate classification (germline): Uncertain significance (1 of 4 stars; one submission).

Conditions:
Spermatogenic failure 18. Identifiers: MedGen C4539783, MONDO:0054615, OMIM 617576.
Ciliary dyskinesia, primary, 37 (CILD37). Also called: CILIARY DYSKINESIA, PRIMARY, 37, WITH OR WITHOUT SITUS INVERSUS. Identifiers: MedGen C4539798, MONDO:0033204, OMIM 617577.

Submission:

Labcorp Genetics (formerly Invitae), Labcorp
Classification: Uncertain significance for Ciliary dyskinesia, primary, 37; Spermatogenic failure 18. Last evaluated: 2026-01-17. Review status: criteria provided, single submitter. Criteria: Invitae Variant Classification Sherloc (09022015). Collection method: clinical testing. Allele origin: germline.
Comment: This sequence change replaces arginine, which is basic and polar, with glutamine, which is neutral and polar, at codon 2053 of the DNAH1 protein (p.Arg2053Gln). This variant is present in population databases (rs756345372, gnomAD 0.01%). This variant has not been reported in the literature in individuals affected with DNAH1-related conditions. Invitae Evidence Modeling of protein sequence and biophysical properties (such as structural, functional, and spatial information, amino acid conservation, physicochemical variation, residue mobility, and thermodynamic stability) indicates that this missense variant is not expected to disrupt DNAH1 protein function with a negative predictive value of 80%. Algorithms developed to predict the effect of sequence changes on RNA splicing suggest that this variant may create or strengthen a splice site. In summary, the available evidence is currently insufficient to determine the role of this variant in disease. Therefore, it has been classified as a Variant of Uncertain Significance.